The following is an entry in ClinVar:

ClinVar aggregate classification (germline): Likely benign. Review status: criteria provided, multiple submitters, no conflicts (2 of 4 stars). 2 submissions from 2 submitters: Likely benign (2). Last evaluated 2025-12-10.

Conditions:
Tuberous sclerosis 2 (TSC2). Identifiers: Orphanet 805, MedGen C1860707, MONDO:0013199, OMIM 613254.

Allele frequency attached by ClinVar (database versions not stated): gnomAD 0.00001; 1000 Genomes Project 30x 0.00016; 1000 Genomes Project 0.00020.

Submissions (2):

Labcorp Genetics (formerly Invitae), Labcorp
Classification: Likely benign for Tuberous sclerosis 2. Last evaluated: 2025-12-10. Review status: criteria provided, single submitter. Criteria: Invitae Variant Classification Sherloc (09022015). Collection method: clinical testing. Allele origin: germline.

Myriad Genetics, Inc.
Classification: Likely benign for Tuberous sclerosis 2. Last evaluated: 2025-05-22. Review status: criteria provided, single submitter. Criteria: Myriad Autosomal Dominant, Autosomal Recessive and X-Linked Classification Criteria (2023). Collection method: clinical testing. Allele origin: unknown.
Comment: This variant is considered likely benign. This variant is intronic and is not expected to impact mRNA splicing.

NM_000548.5(TSC2):c.2743-18G>T

Gene: TSC2 (TSC complex subunit 2; plus strand). Cytogenetic location: 16p13.3.
Variant type: single nucleotide variant.
Coding change: c.2743-18G>T on transcript NM_000548.5 (MANE Select); 18 bases into the intron before coding-DNA position 2743, G replaced by T.
Molecular consequence: intron variant.
Genome position (GRCh38, 1-based): chr16:2,076,473, G>T. VCF-style: chr16-2076473-G-T. GRCh37 (hg19) VCF-style: chr16-2126474-G-T.
Other names: c.2743-18G>T (NM_001114382.3, NM_021055.3, NM_001370405.1 and 3 more transcripts); c.2632-18G>T (NM_001318827.2); c.2143-18G>T (NM_001318831.2); c.2596-18G>T (NM_001318829.2); c.2776-18G>T (NM_001318832.2).
Identifiers: ClinVar variation 1624207 (VCV001624207.10), dbSNP rs199539512, ClinGen allele CA041596.